The following is an entry in ClinVar:

ClinVar aggregate classification (germline): VUS-mid (1 of 4 stars; one submission).

Conditions:
Retinal capillary hemangioma. Also called: Retinal hemangioblastoma. Identifiers: MedGen C0730303, MONDO:0003343, HP:0009711.

Submission:

Department of Medical Genetics and Molecular Biology, School of Medicine, Iran University of Medical Sciences
Classification: VUS-mid for Retinal capillary hemangioma. Last evaluated: 2026-05-17. Review status: criteria provided, single submitter. Criteria: ACMG Guidelines, 2015. Collection method: research. Allele origin: germline. Inheritance: Autosomal dominant inheritance. Affected: yes. Observed: 1 variant allele, 1 heterozygote.
Comment: The variant is predicted to result in premature protein truncation and possible loss of function. BRD4 is involved in transcriptional regulation, angiogenesis, and inflammatory signaling pathways, supporting biological plausibility for disease contribution. However, BRD4 is not currently an established disease-associated gene for retinal capillary hemangioma, and functional evidence is limited. Therefore, this variant is currently classified as a variant of uncertain significance.

NM_001379291.1(BRD4):c.2975_2976insT (p.Pro994fs)

Gene: BRD4 (bromodomain containing 4; minus strand). Cytogenetic location: 19p13.12.
Variant type: Insertion.
Coding change: c.2975_2976insT on transcript NM_001379291.1 (MANE Select); coding-DNA positions 2975 to 2976, T inserted.
Protein change: p.Pro994fs; shifts the reading frame from proline 994.
Molecular consequence: frameshift variant.
Genome position: GRCh38 VCF-style: chr19-15243093-G-GA. GRCh37 (hg19) VCF-style: chr19-15353904-G-GA.
Other names: c.2975_2976insT, p.Pro994fs (NM_058243.3); short protein forms P994fs.
Identifiers: ClinVar variation 4850981 (VCV004850981.1).